The following is an entry in ClinVar:

ClinVar aggregate classification (germline): Uncertain significance (1 of 4 stars; one submission).

Submission:

Labcorp Genetics (formerly Invitae), Labcorp
Classification: Uncertain significance. Last evaluated: 2022-05-15. Review status: criteria provided, single submitter. Criteria: Invitae Variant Classification Sherloc (09022015). Collection method: clinical testing. Allele origin: germline.
Comment: This sequence change disrupts the translational stop signal of the ABCC6 mRNA. It is expected to extend the length of the ABCC6 protein by 60 additional amino acid residues. This variant is present in population databases (rs754847748, gnomAD 0.007%). This variant has not been reported in the literature in individuals affected with ABCC6-related conditions. Experimental studies and prediction algorithms are not available or were not evaluated, and the functional significance of this variant is currently unknown. In summary, the available evidence is currently insufficient to determine the role of this variant in disease. Therefore, it has been classified as a Variant of Uncertain Significance.

NM_001171.6(ABCC6):c.4512_*5del (p.Ter1504Xaa)

Gene: ABCC6 (ATP binding cassette subfamily C member 6; minus strand). Cytogenetic location: 16p13.11.
Variant type: Deletion.
Coding change: c.4512_*5del on transcript NM_001171.6 (MANE Select); coding-DNA position 4512 through 5 bases downstream of the stop codon, 6 bases deleted (AGCCAG; older notation c.4512_*5delAGCCAG).
Protein change: p.Ter1504Xaa.
Molecular consequence: stop lost. On other transcripts: non-coding transcript variant (1).
Genome position (GRCh38, 1-based): chr16:16,150,128-16,150,133, CTGGCT deleted on the plus strand (AGCCAG on the coding strand, the reverse complement: ABCC6 is on the minus strand); deleting any 6 consecutive bases within chr16:16,150,128-16,150,134 gives the same sequence; the c. name uses the placement nearest the transcript's 3' end. VCF-style (leftmost placement, unchanged base first): chr16-16150127-CCTGGCT-C. GRCh37 (hg19) VCF-style: chr16-16243984-CCTGGCT-C.
Other names: c.4170_*5del, p.Ter1390Xaa (NM_001351800.1).
Identifiers: ClinVar variation 1982507 (VCV001982507.2), dbSNP rs754847748, ClinGen allele CA7925148.